The following is an entry in ClinVar:

ClinVar aggregate classification (germline): Benign/Likely benign. Review status: criteria provided, multiple submitters, no conflicts (2 of 4 stars). 10 submissions from 10 submitters: Benign (2); Likely benign (7). 1 of the submissions does not count toward it. Last evaluated 2026-05-05.

Conditions:
Inborn genetic diseases. Identifiers: MedGen C0950123, MeSH D030342.
Charcot-Marie-Tooth disease dominant intermediate E. Also called: CHARCOT-MARIE-TOOTH NEUROPATHY WITH FOCAL SEGMENTAL GLOMERULONEPHRITIS. Identifiers: Orphanet 93114, MedGen C4302667, MONDO:0013758, OMIM 614455.
Focal segmental glomerulosclerosis 5 (FSGS5). Identifiers: Orphanet 656, MedGen C2750475, MONDO:0013191, OMIM 613237.
INF2-related disorder. Also called: INF2-related condition.

Allele frequency attached by ClinVar (database versions not stated): ExAC 0.00068; ESP Exome Variant Server 0.00016; 1000 Genomes Project 30x 0.00031; gnomAD 0.00031 and 0.00034; gnomAD exomes 0.00036; TOPMed 0.00042.
gnomAD v4.1: 566 of 1,593,462 alleles (0.036%); highest among the groups gnomAD compares: Admixed American, 0.089%; 2 homozygotes.

Submissions (10):

Women's Health and Genetics/Laboratory Corporation of America, LabCorp
Classification: Likely benign. Last evaluated: 2026-05-05. Review status: criteria provided, single submitter. Criteria: LabCorp Variant Classification Summary - May 2015. Collection method: clinical testing. Allele origin: germline.
Comment: Variant summary: INF2 c.37G>A (p.Ala13Thr) results in a non-conservative amino acid change in the encoded protein sequence. Algorithms developed to predict the effect of missense changes on protein structure and function all suggest that this variant is likely to be disruptive. The variant allele was found at a frequency of 0.00036 in 212926 control chromosomes in the gnomAD database, including one homozygote. The observed variant frequency exceeds the estimated maximal expected allele frequency for disease-causing variants in INF2. To our knowledge, no experimental evidence demonstrating its impact on protein function has been reported. ClinVar contains an entry for this variant (Variation ID: 312676). Based on the evidence outlined above, the variant was classified as likely benign.

Labcorp Genetics (formerly Invitae), Labcorp
Classification: Likely benign for Charcot-Marie-Tooth disease dominant intermediate E; Focal segmental glomerulosclerosis 5. Last evaluated: 2026-01-26. Review status: criteria provided, single submitter. Criteria: Invitae Variant Classification Sherloc (09022015). Collection method: clinical testing. Allele origin: germline.

Mayo Clinic Laboratories, Mayo Clinic
Classification: Benign. Last evaluated: 2025-04-29. Review status: criteria provided, single submitter. Criteria: ACMG Guidelines, 2015. Collection method: clinical testing. Allele origin: germline. Observed: 2 variant alleles.
Comment: BS1, BS2

ARUP Laboratories, Molecular Genetics and Genomics, ARUP Laboratories
Classification: Likely benign. Last evaluated: 2023-02-17. Review status: criteria provided, single submitter. Criteria: ARUP Molecular Germline Variant Investigation Process 2024. Collection method: clinical testing. Allele origin: germline.

CeGaT Center for Human Genetics Tuebingen
Classification: Likely benign. Last evaluated: 2023-02-01. Review status: criteria provided, single submitter. Criteria: CeGaT Center For Human Genetics Tuebingen Variant Classification Criteria Version 2. Collection method: clinical testing. Allele origin: germline. Affected: yes. Observed: 2 variant alleles.
Comment: INF2: PP2, BS1

GeneDx
Classification: Benign. Last evaluated: 2021-03-26. Review status: criteria provided, single submitter. Criteria: GeneDx Variant Classification Process June 2021. Collection method: clinical testing. Allele origin: germline. Affected: yes.
Comment: In silico analysis, which includes protein predictors and evolutionary conservation, supports a deleterious effect; This variant is associated with the following publications: (PMID: 23014460, 20023659, 30295827)

Ambry Genetics
Classification: Likely benign for Inborn genetic diseases. Last evaluated: 2019-10-28. Review status: criteria provided, single submitter. Criteria: Ambry Variant Classification Scheme 2023. Collection method: clinical testing. Allele origin: germline.

Illumina Laboratory Services, Illumina
Classification: Likely benign for Focal segmental glomerulosclerosis 5. Last evaluated: 2017-04-27. Review status: criteria provided, single submitter. Criteria: ICSL Variant Classification Criteria 13 December 2019. Collection method: clinical testing. Allele origin: germline.
Comment: This variant was observed as part of a predisposition screen in an ostensibly healthy population. A literature search was performed for the gene, cDNA change, and amino acid change (where applicable). No publications were found based on this search. Allele frequency data from public databases allowed determination this variant is unlikely to cause disease. Therefore, this variant is classified as likely benign.

Breakthrough Genomics
Classification: Likely benign. Review status: criteria provided, single submitter. Criteria: ACMG Guidelines, 2015. Collection method: not provided. Allele origin: germline. Inheritance: Autosomal dominant inheritance. Affected: yes.

PreventionGenetics, part of Exact Sciences
Classification: Likely benign for INF2-related condition. Last evaluated: 2022-11-08. Review status: no assertion criteria provided. Collection method: clinical testing. Allele origin: germline. Not counted in ClinVar's aggregate classification.
Comment: This variant is classified as likely benign based on ACMG/AMP sequence variant interpretation guidelines (Richards et al. 2015 PMID: 25741868, with internal and published modifications).

NM_022489.4(INF2):c.37G>A (p.Ala13Thr)

Gene: INF2 (inverted formin 2; plus strand). Cytogenetic location: 14q32.33.
Variant type: single nucleotide variant.
Coding change: c.37G>A on transcript NM_022489.4 (MANE Select); coding-DNA position 37, G replaced by A.
Protein change: p.Ala13Thr; replaces alanine 13 with threonine.
Molecular consequence: missense variant.
Genome position (GRCh38, 1-based): chr14:104,701,402, G>A. VCF-style: chr14-104701402-G-A. GRCh37 (hg19) VCF-style: chr14-105167739-G-A.
Other names: c.37G>A, p.Ala13Thr (NM_001031714.4, NM_032714.3); short protein forms A13T.
Identifiers: ClinVar variation 312676 (VCV000312676.48), dbSNP rs201383094, ClinGen allele CA7372220.